The following is an entry in ClinVar:

NM_000257.4(MYH7):c.4271A>T (p.Glu1424Val)

Genes: MHRT (myosin heavy chain associated RNA transcript; plus strand), MYH7 (myosin heavy chain 7; minus strand). Cytogenetic location: 14q11.2.
Variant type: single nucleotide variant.
Coding change: c.4271A>T on transcript NM_000257.4 (MANE Select); coding-DNA position 4271, A replaced by T.
Protein change: p.Glu1424Val; replaces glutamic acid 1424 with valine.
Molecular consequence: missense variant. On other transcripts: non-coding transcript variant (1).
Genome position (GRCh38, 1-based): chr14:23,417,585, T>A on the plus strand (A>T on the coding strand, the complement: MYH7 is on the minus strand). VCF-style: chr14-23417585-T-A. GRCh37 (hg19) VCF-style: chr14-23886794-T-A.
Other names: c.4271A>T, p.Glu1424Val (NM_001407004.1); short protein forms E1424V.
Identifiers: ClinVar variation 1719300 (VCV001719300.5), dbSNP rs2502251802, ClinGen allele CA389040277.

ClinVar aggregate classification (germline): Uncertain significance (1 of 4 stars; one submission).

Conditions:
Hypertrophic cardiomyopathy. Also called: HYPERTROPHIC MYOCARDIOPATHY. Identifiers: Orphanet 217569, MedGen C0007194, MeSH D002312, MONDO:0005045, HP:0001639.

Submission:

Labcorp Genetics (formerly Invitae), Labcorp
Classification: Uncertain significance for Hypertrophic cardiomyopathy. Last evaluated: 2022-09-13. Review status: criteria provided, single submitter. Criteria: Invitae Variant Classification Sherloc (09022015). Collection method: clinical testing. Allele origin: germline.
Comment: In summary, the available evidence is currently insufficient to determine the role of this variant in disease. Therefore, it has been classified as a Variant of Uncertain Significance. Advanced modeling of protein sequence and biophysical properties (such as structural, functional, and spatial information, amino acid conservation, physicochemical variation, residue mobility, and thermodynamic stability) performed at Invitae indicates that this missense variant is expected to disrupt MYH7 protein function. This variant has not been reported in the literature in individuals affected with MYH7-related conditions. This variant is not present in population databases (gnomAD no frequency). This sequence change replaces glutamic acid, which is acidic and polar, with valine, which is neutral and non-polar, at codon 1424 of the MYH7 protein (p.Glu1424Val).